The following is an entry in ClinVar:

NM_014956.5(CEP164):c.1496A>G (p.Glu499Gly)

Gene: CEP164 (centrosomal protein 164; plus strand). Cytogenetic location: 11q23.3.
Variant type: single nucleotide variant.
Coding change: c.1496A>G on transcript NM_014956.5 (MANE Select); coding-DNA position 1496, A replaced by G.
Protein change: p.Glu499Gly; replaces glutamic acid 499 with glycine.
Molecular consequence: missense variant.
Genome position (GRCh38, 1-based): chr11:117,381,787, A>G. VCF-style: chr11-117381787-A-G. GRCh37 (hg19) VCF-style: chr11-117252503-A-G.
Other names: c.1505A>G, p.Glu502Gly (NM_001271933.2); short protein forms E499G, E502G.
Identifiers: ClinVar variation 2839191 (VCV002839191.3), dbSNP rs2541567667, ClinGen allele CA382742664.

ClinVar aggregate classification (germline): Uncertain significance (1 of 4 stars; one submission).

Conditions:
Nephronophthisis 15 (NPHP15). Identifiers: Orphanet 3156, MedGen C3541853, MONDO:0013917, OMIM 614845.

Submission:

Labcorp Genetics (formerly Invitae), Labcorp
Classification: Uncertain significance for Nephronophthisis 15. Last evaluated: 2023-10-17. Review status: criteria provided, single submitter. Criteria: Invitae Variant Classification Sherloc (09022015). Collection method: clinical testing. Allele origin: germline.
Comment: This sequence change replaces glutamic acid, which is acidic and polar, with glycine, which is neutral and non-polar, at codon 499 of the CEP164 protein (p.Glu499Gly). This variant is not present in population databases (gnomAD no frequency). This variant has not been reported in the literature in individuals affected with CEP164-related conditions. An algorithm developed to predict the effect of missense changes on protein structure and function (PolyPhen-2) suggests that this variant is likely to be tolerated. In summary, the available evidence is currently insufficient to determine the role of this variant in disease. Therefore, it has been classified as a Variant of Uncertain Significance.